The following is an entry in ClinVar:

ClinVar aggregate classification (germline): Uncertain significance. Review status: criteria provided, multiple submitters, no conflicts (2 of 4 stars). 2 submissions from 2 submitters: Uncertain significance (2). Last evaluated 2024-07-03.

Conditions:
Spastic paraplegia. Identifiers: MedGen C0037772, HP:0001258.

gnomAD v4.1: 2 of 1,193,148 alleles (0.00017%); highest among the groups gnomAD compares: Non-Finnish European, 0.00011%; no homozygotes.

Submissions (2):

Dasa
Classification: Uncertain significance. Last evaluated: 2024-07-03. Review status: criteria provided, single submitter. Criteria: DASA Assertion Criteria. Collection method: clinical testing. Allele origin: germline.
Comment: NM_004187.5(KDM5C):c.4038+6C>G is a splice-region variant. This variant is rare in population databases. Computational prediction algorithms are consistent with a deleterious effect. The currently available literature and clinical evidence are not sufficient to establish a definitive association between this variant and the reported condition. Therefore, this variant is classified as a variant of uncertain significance.

Labcorp Genetics (formerly Invitae), Labcorp
Classification: Uncertain significance for Spastic paraplegia. Last evaluated: 2024-06-28. Review status: criteria provided, single submitter. Criteria: Invitae Variant Classification Sherloc (09022015). Collection method: clinical testing. Allele origin: germline.
Comment: This sequence change falls in intron 23 of the KDM5C gene. It does not directly change the encoded amino acid sequence of the KDM5C protein. It affects a nucleotide within the consensus splice site. This variant is present in population databases (rs782459742, gnomAD 0.002%). This variant has not been reported in the literature in individuals affected with KDM5C-related conditions. Variants that disrupt the consensus splice site are a relatively common cause of aberrant splicing (PMID: 17576681, 9536098). Algorithms developed to predict the effect of sequence changes on RNA splicing suggest that this variant is not likely to affect RNA splicing. In summary, the available evidence is currently insufficient to determine the role of this variant in disease. Therefore, it has been classified as a Variant of Uncertain Significance.

Literature cited by the submitters: PubMed 17576681 (cited by Labcorp Genetics (formerly Invitae), Labcorp); PubMed 9536098 (cited by Labcorp Genetics (formerly Invitae), Labcorp).

NM_004187.5(KDM5C):c.4038+6C>G

Gene: KDM5C (lysine demethylase 5C; minus strand). Cytogenetic location: Xp11.22.
Variant type: single nucleotide variant.
Coding change: c.4038+6C>G on transcript NM_004187.5 (MANE Select); 6 bases into the intron after coding-DNA position 4038, C replaced by G.
Molecular consequence: intron variant.
Genome position (GRCh38, 1-based): chrX:53,194,133, G>C on the plus strand (C>G on the coding strand, the complement: KDM5C is on the minus strand). VCF-style: chrX-53194133-G-C. GRCh37 (hg19) VCF-style: chrX-53223315-G-C.
Other names: c.4035+6C>G (NM_001353982.2, NM_001353979.2, NM_001282622.3); c.4038+6C>G (NM_001353981.2, NM_001353984.2, NM_001353978.3); c.3837+6C>G (NM_001146702.2).
Identifiers: ClinVar variation 3631940 (VCV003631940.4).
Genomic context (GRCh38, chrX:53,194,133, plus strand): 5'-AGCCTAAACTGGGGTAGGGGCTAGGAGACAAGAATCTGAGGACAAGAGCTGGGCTGAGTA[G>C]CTCACCTTAGGCATATCCTTGCCACTGCCCTCTCTGAGGGGGTCAGAAGCAGGGGCTGCA-3'